The following is an entry in ClinVar:

ClinVar aggregate classification (germline): Pathogenic. Review status: criteria provided, multiple submitters, no conflicts (2 of 4 stars). 5 submissions from 5 submitters: Pathogenic (4). 1 of the submissions does not count toward it. Last evaluated 2025-10-02.

Conditions:
CNGB3-related disorder. Also called: CNGB3-related condition; CNGB3-related disorders. Identifiers: MedGen CN239340.
Achromatopsia 3 (ACHM3). Also called: ACHROMATOPSIA WITH MYOPIA; PINGELAPESE BLINDNESS; TOTAL COLORBLINDNESS WITH MYOPIA; ROD MONOCHROMACY 1; ROD MONOCHROMATISM 1. Identifiers: Orphanet 49382, MedGen C1849792, MONDO:0009875, OMIM 262300.

Allele frequency attached by ClinVar (database versions not stated): gnomAD exomes below 0.00001; TOPMed 0.00001.
gnomAD v4.1: 17 of 1,588,848 alleles (0.0011%); highest among the groups gnomAD compares: Non-Finnish European, 0.0015%; no homozygotes.

Submissions (5):

Myriad Genetics, Inc.
Classification: Pathogenic for Achromatopsia 3. Last evaluated: 2025-10-02. Review status: criteria provided, single submitter. Criteria: Myriad Autosomal Dominant, Autosomal Recessive and X-Linked Classification Criteria (2023). Collection method: clinical testing. Allele origin: unknown.
Comment: NM_019098.4(CNGB3):c.1781+1G>C is a variant in a canonical splice site classified as pathogenic in the context of achromatopsia, CNGB3-related. c.1781+1G>C has been observed in cases with relevant disease (PMID: 28795510). Relevant functional assessments of this variant are not available in the literature. c.1781+1G>C has been observed in referenced population frequency databases. In summary, NM_019098.4(CNGB3):c.1781+1G>C is a variant in a canonical splice site in a gene where loss of function is a known mechanism of disease, is predicted to disrupt protein function, and has been observed more frequently in cases with the relevant disease than in healthy populations. Please note: this variant was assessed in the context of healthy population screening.

Women's Health and Genetics/Laboratory Corporation of America, LabCorp
Classification: Pathogenic for Achromatopsia 3. Last evaluated: 2024-12-10. Review status: criteria provided, single submitter. Criteria: LabCorp Variant Classification Summary - May 2015. Collection method: clinical testing. Allele origin: germline.
Comment: Variant summary: CNGB3 c.1781+1G>C is located in a canonical splice-site and is predicted to affect mRNA splicing resulting in a significantly altered protein due to either exon skipping, shortening, or inclusion of intronic material. Variants that disrupt the consensus splice site are a relatively common cause of aberrant splicing and loss of CNGB3 function. Several computational tools predict a significant impact on normal splicing: Four predict the variant abolishes a canonical 5' splicing donor site. However, these predictions have yet to be confirmed by functional studies. The variant allele was found at a frequency of 4e-06 in 251094 control chromosomes. c.1781+1G>C has been reported in the literature in individuals affected with Achromatopsia (example: Mayer_2017). These data indicate that the variant is likely to be associated with disease. The following publication has been ascertained in the context of this evaluation (PMID: 28795510 ). ClinVar contains an entry for this variant (Variation ID: 427709). Based on the evidence outlined above, the variant was classified as pathogenic.

Labcorp Genetics (formerly Invitae), Labcorp
Classification: Pathogenic. Last evaluated: 2023-08-29. Review status: criteria provided, single submitter. Criteria: Invitae Variant Classification Sherloc (09022015). Collection method: clinical testing. Allele origin: germline.
Comment: For these reasons, this variant has been classified as Pathogenic. Algorithms developed to predict the effect of sequence changes on RNA splicing suggest that this variant may disrupt the consensus splice site. ClinVar contains an entry for this variant (Variation ID: 427709). Disruption of this splice site has been observed in individuals with achromatopsia (PMID: 28795510). This variant is present in population databases (no rsID available, gnomAD 0.0009%). This sequence change affects a donor splice site in intron 15 of the CNGB3 gene. It is expected to disrupt RNA splicing. Variants that disrupt the donor or acceptor splice site typically lead to a loss of protein function (PMID: 16199547), and loss-of-function variants in CNGB3 are known to be pathogenic (PMID: 28795510).

Blueprint Genetics
Classification: Pathogenic for CNGB3-related disorders. Last evaluated: 2019-01-04. Review status: criteria provided, single submitter. Criteria: ACMG Guidelines, 2015. Collection method: clinical testing. Allele origin: germline. Affected: yes. Observed: 1 variant allele.

Molecular Genetics Laboratory, Institute for Ophthalmic Research
Classification: Pathogenic for ACHM3. Last evaluated: 2017-03-27. Review status: no assertion criteria provided. Collection method: research. Allele origin: germline. Affected: yes. Not counted in ClinVar's aggregate classification.

Literature cited by the submitters: PubMed 28795510 (cited by 4 submitters); PubMed 16199547 (cited by Labcorp Genetics (formerly Invitae), Labcorp).

NM_019098.5(CNGB3):c.1781+1G>C

Gene: CNGB3 (cyclic nucleotide gated channel subunit beta 3; minus strand). Cytogenetic location: 8q21.3.
Variant type: single nucleotide variant.
Coding change: c.1781+1G>C on transcript NM_019098.5 (MANE Select); the canonical splice donor site of the intron after coding-DNA position 1781, G replaced by C.
Molecular consequence: splice donor variant.
Genome position (GRCh38, 1-based): chr8:86,604,092, C>G on the plus strand (G>C on the coding strand, the complement: CNGB3 is on the minus strand). VCF-style: chr8-86604092-C-G. GRCh37 (hg19) VCF-style: chr8-87616320-C-G.
Identifiers: ClinVar variation 427709 (VCV000427709.13), dbSNP rs1375507464, ClinGen allele CA371448977.
Genomic context (GRCh38, chr8:86,604,092, plus strand): 5'-TAAGACTTTTCTTTTATGACAAATGATGGACTTCAATATTTATGAAGTATCTTTCAGATA[C>G]CTGATTTCTCCAAACACCGACCCAGCTTTCAGAGTAACCAGAACTTTAGTACCATCAGGG-3'